The following is an entry in ClinVar:

NM_183357.3(ADCY5):c.778C>T (p.His260Tyr)

Gene: ADCY5 (adenylate cyclase 5; minus strand). Cytogenetic location: 3q21.1.
Variant type: single nucleotide variant.
Coding change: c.778C>T on transcript NM_183357.3 (MANE Select); coding-DNA position 778, C replaced by T.
Protein change: p.His260Tyr; replaces histidine 260 with tyrosine.
Molecular consequence: missense variant.
Genome position (GRCh38, 1-based): chr3:123,447,768, G>A on the plus strand (C>T on the coding strand, the complement: ADCY5 is on the minus strand). VCF-style: chr3-123447768-G-A. GRCh37 (hg19) VCF-style: chr3-123166615-G-A.
Other names: c.778C>T, p.His260Tyr (NM_001378259.1); short protein forms H260Y.
Identifiers: ClinVar variation 4882175 (VCV004882175.2).

ClinVar aggregate classification (germline): Uncertain significance (1 of 4 stars; one submission).

gnomAD v4.1: 9 of 1,608,528 alleles (0.00056%); highest among the groups gnomAD compares: Non-Finnish European, 0.00076%; no homozygotes.

Submission:

Dasa
Classification: Uncertain significance. Last evaluated: 2026-01-27. Review status: criteria provided, single submitter. Criteria: DASA Assertion Criteria. Collection method: clinical testing. Allele origin: germline.
Comment: NM_183357.3(ADCY5):c.778C>T (p.His260Tyr) is a missense variant that results in the substitution of histidine with tyrosine. This variant is rare in population databases. Computational prediction algorithms are consistent with a deleterious effect. The currently available literature and clinical evidence are not sufficient to establish a definitive association between this variant and the reported condition. Therefore, this variant is classified as a variant of uncertain significance.